The following is an entry in ClinVar:

ClinVar aggregate classification (germline): Uncertain significance (1 of 4 stars; one submission).

Conditions:
Neuropathy, hereditary sensory and autonomic, type 2A (HSAN2A). Also called: ACROOSTEOLYSIS, GIACCAI TYPE; ACROOSTEOLYSIS, NEUROGENIC; MORVAN DISEASE; NEUROPATHY, CONGENITAL SENSORY; NEUROPATHY, HEREDITARY SENSORY RADICULAR, AUTOSOMAL RECESSIVE; NEUROPATHY, HEREDITARY SENSORY, TYPE IIA. Identifiers: Orphanet 970, MedGen C2752089, MONDO:0024309, OMIM 201300.
Pseudohypoaldosteronism type 2C (PHA2C). Also called: Pseudohypoaldosteronism Type IIC. Identifiers: Orphanet 757, Orphanet 88940, MedGen C1840391, MONDO:0013778, OMIM 614492.

Allele frequency attached by ClinVar (database versions not stated): gnomAD exomes below 0.00001.
gnomAD v4.1: 1 of 1,596,630 alleles (0.000063%); highest among the groups gnomAD compares: Non-Finnish European, 0.000085%; no homozygotes.

Submission:

Labcorp Genetics (formerly Invitae), Labcorp
Classification: Uncertain significance for Neuropathy, hereditary sensory and autonomic, type 2A; Pseudohypoaldosteronism type 2C. Last evaluated: 2022-07-28. Review status: criteria provided, single submitter. Criteria: Invitae Variant Classification Sherloc (09022015). Collection method: clinical testing. Allele origin: germline.
Comment: In summary, the available evidence is currently insufficient to determine the role of this variant in disease. Therefore, it has been classified as a Variant of Uncertain Significance. Advanced modeling of protein sequence and biophysical properties (such as structural, functional, and spatial information, amino acid conservation, physicochemical variation, residue mobility, and thermodynamic stability) performed at Invitae indicates that this missense variant is not expected to disrupt WNK1 protein function. This variant has not been reported in the literature in individuals affected with WNK1-related conditions. This variant is not present in population databases (gnomAD no frequency). This sequence change replaces threonine, which is neutral and polar, with alanine, which is neutral and non-polar, at codon 128 of the WNK1 protein (p.Thr128Ala).

NM_018979.4(WNK1):c.382A>G (p.Thr128Ala)

Gene: WNK1 (WNK lysine deficient protein kinase 1; plus strand). Cytogenetic location: 12p13.33.
Variant type: single nucleotide variant.
Coding change: c.382A>G on transcript NM_018979.4 (MANE Select); coding-DNA position 382, A replaced by G.
Protein change: p.Thr128Ala; replaces threonine 128 with alanine.
Molecular consequence: missense variant.
Genome position (GRCh38, 1-based): chr12:753,947, A>G. VCF-style: chr12-753947-A-G. GRCh37 (hg19) VCF-style: chr12-863113-A-G.
Other names: c.382A>G, p.Thr128Ala (NM_001184985.2, NM_014823.3, NM_213655.5); short protein forms T128A.
Identifiers: ClinVar variation 2180627 (VCV002180627.4), dbSNP rs2547363743, ClinGen allele CA383306065.